The following is an entry in ClinVar:

NM_001267550.2(TTN):c.13594A>C (p.Thr4532Pro)

Gene: TTN (titin; minus strand). Cytogenetic location: 2q31.2.
Variant type: single nucleotide variant.
Coding change: c.13594A>C on transcript NM_001267550.2 (MANE Select); coding-DNA position 13594, A replaced by C.
Protein change: p.Thr4532Pro; replaces threonine 4532 with proline.
Molecular consequence: missense variant. On other transcripts: intron variant (1).
Genome position (GRCh38, 1-based): chr2:178,739,639, T>G on the plus strand (A>C on the coding strand, the complement: TTN is on the minus strand). VCF-style: chr2-178739639-T-G. GRCh37 (hg19) VCF-style: chr2-179604366-T-G.
Other names: p.T4215P:ACT>CCT; c.12643A>C, p.Thr4215Pro (NM_001256850.1); c.12505A>C, p.Thr4169Pro (NM_003319.4); c.12880A>C, p.Thr4294Pro (NM_133432.3); c.13081A>C, p.Thr4361Pro (NM_133437.4); c.10361-1279A>C (NM_133378.4); short protein forms T4532P, T4215P, T4294P, T4169P, T4361P.
Identifiers: ClinVar variation 47838 (VCV000047838.27), dbSNP rs2562829, ClinGen allele CA284567.

ClinVar aggregate classification (germline): Benign. Review status: criteria provided, multiple submitters, no conflicts (2 of 4 stars). 15 submissions from 12 submitters: Benign (13). 2 of the submissions do not count toward it. Last evaluated 2026-09-21.

Conditions:
Cardiovascular phenotype. Identifiers: MedGen CN230736.
Dilated cardiomyopathy 1G (CMD1G). Identifiers: Orphanet 154, MedGen C1858763, MONDO:0011400, OMIM 604145.
Autosomal recessive limb-girdle muscular dystrophy type 2J (LGMDR10). Also called: Limb-girdle muscular dystrophy, type 2J; MUSCULAR DYSTROPHY, LIMB-GIRDLE, AUTOSOMAL RECESSIVE 10. Identifiers: Orphanet 140922, MedGen C1837342, MONDO:0012127, OMIM 608807.
Early-onset myopathy with fatal cardiomyopathy (CMYO5). Also called: Salih Myopathy; CONGENITAL MYOPATHY 5 WITH CARDIOMYOPATHY. Identifiers: Orphanet 289377, MedGen C2673677, MONDO:0012714, OMIM 611705. Disease mechanism: loss of function.
Myopathy, myofibrillar, 9, with early respiratory failure (MFM9). Also called: Hereditary myopathy with early respiratory failure; MYOPATHY, PROXIMAL, WITH EARLY RESPIRATORY MUSCLE INVOLVEMENT; Myopathy, distal, with early respiratory failure, autosomal dominant; EDSTROM MYOPATHY. Identifiers: Orphanet 178464, Orphanet 34521, MedGen C1863599, MONDO:0011362, OMIM 603689.
Tibial muscular dystrophy (TMD). Also called: UDD MYOPATHY; Tibial muscular dystrophy, tardive; Udd Distal Myopathy – Tibial Muscular Dystrophy. Identifiers: Orphanet 609, MedGen C1838244, MONDO:0010870, OMIM 600334.

Allele frequency attached by ClinVar (database versions not stated): ExAC 0.07227; 1000 Genomes Project 0.07608; 1000 Genomes Project 30x 0.07636; ESP Exome Variant Server 0.03425; gnomAD 0.04828; TOPMed 0.05895.
gnomAD v4.1: 85,089 of 1,613,796 alleles (5.3%); highest among the groups gnomAD compares: Admixed American, 21%; 3,842 homozygotes.

Submissions (15):

Molecular Diagnostic Laboratory for Inherited Cardiovascular Disease, Montreal Heart Institute
Classification: Benign. Last evaluated: 2026-09-21. Review status: criteria provided, single submitter. Criteria: ACMG Guidelines, 2015. Collection method: clinical testing. Allele origin: germline. Affected: no.

Labcorp Genetics (formerly Invitae), Labcorp
Classification: Benign for Dilated cardiomyopathy 1G; Autosomal recessive limb-girdle muscular dystrophy type 2J. Last evaluated: 2026-02-04. Review status: criteria provided, single submitter. Criteria: Invitae Variant Classification Sherloc (09022015). Collection method: clinical testing. Allele origin: germline.

Genome-Nilou Lab
Classification: Benign for Autosomal recessive limb-girdle muscular dystrophy type 2J. Last evaluated: 2021-09-10. Review status: criteria provided, single submitter. Criteria: ACMG Guidelines, 2015. Collection method: clinical testing. Allele origin: germline. Affected: no.

Genome-Nilou Lab
Classification: Benign for Myopathy, myofibrillar, 9, with early respiratory failure. Last evaluated: 2021-09-10. Review status: criteria provided, single submitter. Criteria: ACMG Guidelines, 2015. Collection method: clinical testing. Allele origin: germline. Affected: no.

Genome-Nilou Lab
Classification: Benign for Early-onset myopathy with fatal cardiomyopathy. Last evaluated: 2021-09-10. Review status: criteria provided, single submitter. Criteria: ACMG Guidelines, 2015. Collection method: clinical testing. Allele origin: germline. Affected: no.

Genome-Nilou Lab
Classification: Benign for Tibial muscular dystrophy. Last evaluated: 2021-09-10. Review status: criteria provided, single submitter. Criteria: ACMG Guidelines, 2015. Collection method: clinical testing. Allele origin: germline. Affected: no.

Ambry Genetics
Classification: Benign for Cardiovascular phenotype. Last evaluated: 2015-04-20. Review status: criteria provided, single submitter. Criteria: Ambry Variant Classification Scheme 2023. Collection method: clinical testing. Allele origin: germline.

Mayo Clinic Laboratories, Mayo Clinic
Classification: Benign. Last evaluated: 2014-08-06. Review status: criteria provided, single submitter. Criteria: ACMG Guidelines, 2015. Collection method: clinical testing. Allele origin: germline. Observed: 178 variant alleles.

Biesecker Lab/Clinical Genomics Section, National Institutes of Health
Classification: Benign. Last evaluated: 2013-06-24. Review status: criteria provided, single submitter. Criteria: Ng et al. (Circ Cardiovasc Genet. 2013). Collection method: research. Allele origin: unknown. Observed: 69 variant alleles. Study: ClinSeq.
Comment: The study set was not selected for affection status in relation to any cancer. Pathogenicity categories were based on literature curation. See Pubmed ID:23861362 for details.

Medical sequencing

GeneDx
Classification: Benign. Last evaluated: 2012-10-19. Review status: criteria provided, single submitter. Criteria: GeneDx Variant Classification (06012015). Collection method: clinical testing. Allele origin: germline. Affected: yes.
Comment: This variant is considered likely benign or benign based on one or more of the following criteria: it is a conservative change, it occurs at a poorly conserved position in the protein, it is predicted to be benign by multiple in silico algorithms, and/or has population frequency not consistent with disease.

Laboratory for Molecular Medicine, Mass General Brigham Personalized Medicine
Classification: Benign. Last evaluated: 2012-04-26. Review status: criteria provided, single submitter. Criteria: LMM Criteria. Collection method: clinical testing. Allele origin: germline. Observed: 158 variant alleles.
Comment: Thr4294Pro in exon 45B of TTN: This variant is not expected to have clinical sig nificance because it has been identified in 4.5% (300/6614) of European American chromosomes from a broad population by the NHLBI Exome Sequencing Project (rs2562829).

Breakthrough Genomics
Classification: Benign. Review status: criteria provided, single submitter. Criteria: ACMG Guidelines, 2015. Collection method: not provided. Allele origin: germline. Inheritance: Autosomal recessive inheritance. Affected: yes.

PreventionGenetics, part of Exact Sciences
Classification: Benign. Review status: criteria provided, single submitter. Criteria: ACMG Guidelines, 2015. Collection method: clinical testing. Allele origin: germline.

Clinical Genetics DNA and cytogenetics Diagnostics Lab, Erasmus MC, Erasmus Medical Center
Classification: Benign. Review status: no assertion criteria provided. Collection method: clinical testing. Allele origin: germline. Affected: yes. Study: VKGL Data-share Consensus. Not counted in ClinVar's aggregate classification.

Clinical Genetics, Academic Medical Center
Classification: Benign. Review status: no assertion criteria provided. Collection method: clinical testing. Allele origin: germline. Affected: yes. Study: VKGL Data-share Consensus. Not counted in ClinVar's aggregate classification.